The following is an entry in ClinVar:

ClinVar aggregate classification (germline): Uncertain significance. Review status: criteria provided, multiple submitters, no conflicts (2 of 4 stars). 2 submissions from 2 submitters: Uncertain significance (2). Last evaluated 2026-01-20.

Conditions:
Primary ciliary dyskinesia. Also called: Ciliary dyskinesia. Identifiers: Orphanet 244, MedGen C0008780, MONDO:0016575, HP:0012265.

Allele frequency attached by ClinVar (database versions not stated): TOPMed 0.00001; gnomAD 0.00002 and 0.00003; gnomAD exomes 0.00006 and 0.00007; ExAC 0.00007.
gnomAD v4.1: 87 of 1,613,028 alleles (0.0054%); highest among the groups gnomAD compares: East Asian, 0.16%; no homozygotes.

Submissions (2):

Labcorp Genetics (formerly Invitae), Labcorp
Classification: Uncertain significance for Primary ciliary dyskinesia. Last evaluated: 2026-01-20. Review status: criteria provided, single submitter. Criteria: Invitae Variant Classification Sherloc (09022015). Collection method: clinical testing. Allele origin: germline.
Comment: This sequence change replaces arginine, which is basic and polar, with glutamine, which is neutral and polar, at codon 3837 of the DNAH8 protein (p.Arg3837Gln). This variant is present in population databases (rs779195376, gnomAD 0.09%). This variant has not been reported in the literature in individuals affected with DNAH8-related conditions. ClinVar contains an entry for this variant (Variation ID: 1053969). Invitae Evidence Modeling of protein sequence and biophysical properties (such as structural, functional, and spatial information, amino acid conservation, physicochemical variation, residue mobility, and thermodynamic stability) indicates that this missense variant is expected to disrupt DNAH8 protein function with a positive predictive value of 80%. In summary, the available evidence is currently insufficient to determine the role of this variant in disease. Therefore, it has been classified as a Variant of Uncertain Significance.

Ambry Genetics
Classification: Uncertain significance. Last evaluated: 2024-04-20. Review status: criteria provided, single submitter. Criteria: Ambry Variant Classification Scheme 2023. Collection method: clinical testing. Allele origin: germline.

NM_001206927.2(DNAH8):c.11510G>A (p.Arg3837Gln)

Genes: DNAH8 (dynein axonemal heavy chain 8; plus strand), DNAH8-AS1 (DNAH8 antisense RNA 1; minus strand). Cytogenetic location: 6p21.2.
Variant type: single nucleotide variant.
Coding change: c.11510G>A on transcript NM_001206927.2 (MANE Select); coding-DNA position 11510, G replaced by A.
Protein change: p.Arg3837Gln; replaces arginine 3837 with glutamine.
Molecular consequence: missense variant.
Genome position (GRCh38, 1-based): chr6:38,935,644, G>A. VCF-style: chr6-38935644-G-A. GRCh37 (hg19) VCF-style: chr6-38903420-G-A.
Other names: c.11510G>A (NM_001206927.1); c.10859G>A, p.Arg3620Gln (NM_001371.4); short protein forms R3620Q, R3837Q.
Identifiers: ClinVar variation 1053969 (VCV001053969.10), dbSNP rs779195376, ClinGen allele CA3791081.